The following is an entry in ClinVar:

NM_006206.6(PDGFRA):c.3019C>A (p.Leu1007Met)

Gene: PDGFRA (platelet derived growth factor receptor alpha; plus strand). Cytogenetic location: 4q12.
Variant type: single nucleotide variant.
Coding change: c.3019C>A on transcript NM_006206.6 (MANE Select); coding-DNA position 3019, C replaced by A.
Protein change: p.Leu1007Met; replaces leucine 1007 with methionine.
Molecular consequence: missense variant.
Genome position (GRCh38, 1-based): chr4:54,290,451, C>A. VCF-style: chr4-54290451-C-A. GRCh37 (hg19) VCF-style: chr4-55156618-C-A.
Other names: c.3094C>A, p.Leu1032Met (NM_001347828.2); c.3019C>A, p.Leu1007Met (NM_001347829.2); c.3058C>A, p.Leu1020Met (NM_001347830.2); short protein forms L1007M, L1032M, L1020M.
Identifiers: ClinVar variation 649886 (VCV000649886.12), dbSNP rs1348842755, ClinGen allele CA356896201.

ClinVar aggregate classification (germline): Uncertain significance. Review status: criteria provided, multiple submitters, no conflicts (2 of 4 stars). 3 submissions from 3 submitters: Uncertain significance (3). Last evaluated 2025-11-09.

Conditions:
Polyps, multiple and recurrent inflammatory fibroid, gastrointestinal. Identifiers: MedGen C5193005, MONDO:0008285, OMIM 175510.
Hereditary cancer-predisposing syndrome. Also called: Neoplastic Syndromes, Hereditary; Tumor predisposition; Hereditary Cancer Syndrome; Hereditary neoplastic syndrome. Identifiers: Orphanet 140162, MedGen C0027672, MeSH D009386, MONDO:0015356.
Gastrointestinal stromal tumor. Also called: Gastrointestinal stromal tumor, somatic; Gastrointestinal stroma tumor. Identifiers: Orphanet 44890, MedGen C0238198, MeSH D046152, MONDO:0011719, OMIM 606764, HP:0100723.

Allele frequency attached by ClinVar (database versions not stated): TOPMed 0.00002.

Submissions (3):

Labcorp Genetics (formerly Invitae), Labcorp
Classification: Uncertain significance for Gastrointestinal stromal tumor. Last evaluated: 2025-11-09. Review status: criteria provided, single submitter. Criteria: Invitae Variant Classification Sherloc (09022015). Collection method: clinical testing. Allele origin: germline.
Comment: This sequence change replaces leucine, which is neutral and non-polar, with methionine, which is neutral and non-polar, at codon 1007 of the PDGFRA protein (p.Leu1007Met). This variant is not present in population databases (gnomAD no frequency). This variant has not been reported in the literature in individuals affected with PDGFRA-related conditions. ClinVar contains an entry for this variant (Variation ID: 649886). An algorithm developed to predict the effect of missense changes on protein structure and function (PolyPhen-2) suggests that this variant is likely to be disruptive. In summary, the available evidence is currently insufficient to determine the role of this variant in disease. Therefore, it has been classified as a Variant of Uncertain Significance.

Baylor Genetics
Classification: Uncertain significance for Polyps, multiple and recurrent inflammatory fibroid, gastrointestinal. Last evaluated: 2024-03-06. Review status: criteria provided, single submitter. Criteria: ACMG Guidelines, 2015. Collection method: clinical testing. Allele origin: unknown.

Ambry Genetics
Classification: Uncertain significance for Hereditary cancer-predisposing syndrome. Last evaluated: 2020-02-28. Review status: criteria provided, single submitter. Criteria: Ambry Variant Classification Scheme 2023. Collection method: clinical testing. Allele origin: germline.
Comment: The p.L1007M variant (also known as c.3019C>A), located in coding exon 21 of the PDGFRA gene, results from a C to A substitution at nucleotide position 3019. The leucine at codon 1007 is replaced by methionine, an amino acid with highly similar properties. This amino acid position is not well conserved in available vertebrate species. In addition, this alteration is predicted to be tolerated by in silico analysis. Since supporting evidence is limited at this time, the clinical significance of this alteration remains unclear.